The following is an entry in ClinVar:

ClinVar aggregate classification (germline): Uncertain significance (1 of 4 stars; one submission).

Conditions:
Familial focal epilepsy with variable foci (FPEVF). Identifiers: Orphanet 98820, MedGen C1858477, MONDO:0020310.

Submission:

Labcorp Genetics (formerly Invitae), Labcorp
Classification: Uncertain significance for Familial focal epilepsy with variable foci. Last evaluated: 2022-02-25. Review status: criteria provided, single submitter. Criteria: Invitae Variant Classification Sherloc (09022015). Collection method: clinical testing. Allele origin: germline.
Comment: This variant has not been reported in the literature in individuals affected with DEPDC5-related conditions. Experimental studies and prediction algorithms are not available or were not evaluated, and the functional significance of this variant is currently unknown. In summary, the available evidence is currently insufficient to determine the role of this variant in disease. Therefore, it has been classified as a Variant of Uncertain Significance. This variant is not present in population databases (gnomAD no frequency). This sequence change results in a frameshift in the DEPDC5 gene (p.Arg1583Profs*36). While this is not anticipated to result in nonsense mediated decay, it is expected to disrupt the last 21 amino acid(s) of the DEPDC5 protein and extend the protein by 14 additional amino acid residues.

NM_001242896.3(DEPDC5):c.4748_4788delinsC (p.Arg1583fs)

Gene: DEPDC5 (DEP domain containing 5, GATOR1 subcomplex subunit; plus strand). Cytogenetic location: 22q12.3.
Variant type: Indel.
Coding change: c.4748_4788delinsC on transcript NM_001242896.3 (MANE Select); coding-DNA positions 4748 to 4788, the reference bases replaced by C.
Protein change: p.Arg1583fs; shifts the reading frame from arginine 1583.
Molecular consequence: frameshift variant. On other transcripts: non-coding transcript variant (5).
Genome position (GRCh38, 1-based): chr22:31,906,433-31,906,473, 41 bases replaced. GRCh37 (hg19): chr22:32,302,419-32,302,459.
Other names: c.4721_4761delinsC, p.Arg1574fs (NM_001136029.4); c.4448_4488delinsC, p.Arg1483fs (NM_001242897.2); c.4682_4722delinsC, p.Arg1561fs (NM_001363852.2, NM_001364320.2); c.4514_4554delinsC, p.Arg1505fs (NM_001363854.2, NM_001364319.2); c.4748_4788delinsC, p.Arg1583fs (NM_001364318.2); c.4664_4704delinsC, p.Arg1555fs (NM_001369901.1, NM_001369902.1); c.4655_4695delinsC, p.Arg1552fs (NM_001369903.1, NM_014662.6); short protein forms R1552fs, R1555fs, R1483fs, R1505fs, R1561fs, R1574fs, R1583fs.
Identifiers: ClinVar variation 966400 (VCV000966400.5), dbSNP rs2093761109, ClinGen allele CA1139667093.